The following is an entry in ClinVar:

ClinVar aggregate classification (germline): Uncertain significance (1 of 4 stars; one submission).

gnomAD v4.1: 2 of 1,613,376 alleles (0.00012%); highest among the groups gnomAD compares: Non-Finnish European, 0.00017%; no homozygotes.

Submission:

GeneDx
Classification: Uncertain significance. Last evaluated: 2023-06-17. Review status: criteria provided, single submitter. Criteria: GeneDx Variant Classification Process June 2021. Collection method: clinical testing. Allele origin: germline. Affected: yes.
Comment: Not observed at significant frequency in large population cohorts (gnomAD); In silico analysis supports that this missense variant has a deleterious effect on protein structure/function; Has not been previously published as pathogenic or benign to our knowledge

NM_003126.4(SPTA1):c.1593G>C (p.Lys531Asn)

Gene: SPTA1 (spectrin alpha, erythrocytic 1; minus strand). Cytogenetic location: 1q23.1.
Variant type: single nucleotide variant.
Coding change: c.1593G>C on transcript NM_003126.4 (MANE Select); coding-DNA position 1593, G replaced by C.
Protein change: p.Lys531Asn; replaces lysine 531 with asparagine.
Molecular consequence: missense variant.
Genome position (GRCh38, 1-based): chr1:158,671,349, C>G on the plus strand (G>C on the coding strand, the complement: SPTA1 is on the minus strand). VCF-style: chr1-158671349-C-G. GRCh37 (hg19) VCF-style: chr1-158641139-C-G.
Other names: short protein forms K531N.
Identifiers: ClinVar variation 3360053 (VCV003360053.1).
Genomic context (GRCh38, chr1:158,671,349, plus strand): 5'-AAAATTATGTATACAGAGAGGGAGCCAATGCCCAAACTAGGGCCAATTTCTTACTATGAT[C>G]TTCTCTTCCTGGGCAGTAAAGGCTTCCTCAAAGTCTTCATGCTTCTGAAGAAGGGCTTCT-3'
Protein context (NP_003117.2, residues 521-541): FEEAFTAQEE[Lys531Asn]IITVDKTATK